The following is an entry in ClinVar:

NM_006846.4(SPINK5):c.917A>G (p.Asn306Ser)

Gene: SPINK5 (serine peptidase inhibitor Kazal type 5; plus strand). Cytogenetic location: 5q32.
Variant type: single nucleotide variant.
Coding change: c.917A>G on transcript NM_006846.4 (MANE Select); coding-DNA position 917, A replaced by G.
Protein change: p.Asn306Ser; replaces asparagine 306 with serine.
Molecular consequence: missense variant.
Genome position (GRCh38, 1-based): chr5:148,097,901, A>G. VCF-style: chr5-148097901-A-G. GRCh37 (hg19) VCF-style: chr5-147477464-A-G.
Other names: c.917A>G, p.Asn306Ser (NM_001127698.2, NM_001127699.2); short protein forms N306S.
Identifiers: ClinVar variation 948727 (VCV000948727.1), dbSNP rs947124939, ClinGen allele CA128915994.
Genomic context (GRCh38, chr5:148,097,901, plus strand): 5'-TCAACTTTTTCTTATTCATTATTCAGAAACTCTGCAGTCAATATCAAAATCAGGCAAAGA[A>G]TGGAATACTTTTCTGTACCAGAGAAAATGACCCTATTCGTGGTCCAGATGGGAAAATGCA-3'
Protein context (NP_006837.2, residues 296-316): LCSQYQNQAK[Asn306Ser]GILFCTREND

ClinVar aggregate classification (germline): Uncertain significance (1 of 4 stars; one submission).

Conditions:
Netherton syndrome (NETH). Also called: NETHERTON DISEASE; ERYTHRODERMA, ICHTHYOSIFORM, WITH HYPOTRICHOSIS AND HYPER-IgE; COMEL-NETHERTON SYNDROME. Identifiers: Orphanet 634, MedGen C5574950, MONDO:0009735, OMIM 256500.

Allele frequency attached by ClinVar (database versions not stated): gnomAD exomes below 0.00001.
gnomAD v4.1: 1 of 1,612,120 alleles (0.000062%); highest among the groups gnomAD compares: Middle Eastern, 0.017%; no homozygotes.

Submission:

Labcorp Genetics (formerly Invitae), Labcorp
Classification: Uncertain significance for Netherton syndrome. Last evaluated: 2019-06-12. Review status: criteria provided, single submitter. Criteria: Invitae Variant Classification Sherloc (09022015). Collection method: clinical testing. Allele origin: germline.
Comment: This sequence change replaces asparagine with serine at codon 306 of the SPINK5 protein (p.Asn306Ser). The asparagine residue is moderately conserved and there is a small physicochemical difference between asparagine and serine. This variant is not present in population databases (ExAC no frequency). This variant has not been reported in the literature in individuals with SPINK5-related conditions. Algorithms developed to predict the effect of missense changes on protein structure and function (SIFT, PolyPhen-2, Align-GVGD) all suggest that this variant is likely to be tolerated, but these predictions have not been confirmed by published functional studies and their clinical significance is uncertain. In summary, the available evidence is currently insufficient to determine the role of this variant in disease. Therefore, it has been classified as a Variant of Uncertain Significance.